The following is an entry in ClinVar:

NM_021930.6(RINT1):c.809T>C (p.Leu270Pro)

Gene: RINT1 (RAD50 interactor 1; plus strand). Cytogenetic location: 7q22.3.
Variant type: single nucleotide variant.
Coding change: c.809T>C on transcript NM_021930.6 (MANE Select); coding-DNA position 809, T replaced by C.
Protein change: p.Leu270Pro; replaces leucine 270 with proline.
Molecular consequence: missense variant. On other transcripts: 5 prime UTR variant (2), non-coding transcript variant (1), intron variant (1).
Genome position (GRCh38, 1-based): chr7:105,547,303, T>C. VCF-style: chr7-105547303-T-C. GRCh37 (hg19) VCF-style: chr7-105187750-T-C.
Other names: c.575T>C, p.Leu192Pro (NM_001346599.2); c.-211T>C (NM_001346600.2); c.-114T>C (NM_001346601.2); c.-27-2752T>C (NM_001346603.2); short protein forms L270P, L192P.
Identifiers: ClinVar variation 1761985 (VCV001761985.3), dbSNP rs2485124322, ClinGen allele CA368806428.

ClinVar aggregate classification (germline): Uncertain significance (1 of 4 stars; one submission).

Submission:

Ambry Genetics
Classification: Uncertain significance. Last evaluated: 2025-10-22. Review status: criteria provided, single submitter. Criteria: Ambry Variant Classification Scheme 2023. Collection method: clinical testing. Allele origin: germline.
Comment: The p.L270P variant (also known as c.809T>C), located in coding exon 6 of the RINT1 gene, results from a T to C substitution at nucleotide position 809. The leucine at codon 270 is replaced by proline, an amino acid with similar properties. This amino acid position is conserved. In addition, the in silico prediction for this alteration is inconclusive. Since supporting evidence is limited at this time, the clinical significance of this alteration remains unclear.